The following is an entry in ClinVar:

NM_001267550.2(TTN):c.91589C>T (p.Pro30530Leu)

Genes: TTN (titin; minus strand), TTN-AS1 (TTN antisense RNA 1; plus strand). Cytogenetic location: 2q31.2.
Variant type: single nucleotide variant.
Coding change: c.91589C>T on transcript NM_001267550.2 (MANE Select); coding-DNA position 91589, C replaced by T.
Protein change: p.Pro30530Leu; replaces proline 30530 with leucine.
Molecular consequence: missense variant.
Genome position (GRCh38, 1-based): chr2:178,550,249, G>A on the plus strand (C>T on the coding strand, the complement: TTN is on the minus strand). VCF-style: chr2-178550249-G-A. GRCh37 (hg19) VCF-style: chr2-179414976-G-A.
Other names: p.P28889L:CCT>CTT; p.Pro28889Leu; c.64394C>T, p.Pro21465Leu (NM_003319.4); c.64769C>T, p.Pro21590Leu (NM_133432.3); c.64970C>T, p.Pro21657Leu (NM_133437.4); c.83885C>T, p.Pro27962Leu (NM_133378.4); c.86666C>T, p.Pro28889Leu (NM_001256850.1); short protein forms P30530L, P28889L, P27962L, P21465L, P21590L, P21657L.
Identifiers: ClinVar variation 196156 (VCV000196156.34), dbSNP rs200875379, ClinGen allele CA202166.
Genomic context (GRCh38, chr2:178,550,249, plus strand): 5'-ACCAAAGCTTTAATTCTAAGGCTCTCTCCGGACTTAATAATGAGACCATCAAAGTATTCA[G>A]GGCCAAACTCTACTATTGGTGGAACTATAAAAGAAAGAGAAATACTATGTATTAGTTTGG-3'
Protein context (NP_001254479.2, residues 30520-30540): ENVPPIVEFG[Pro30530Leu]EYFDGLIIKS

ClinVar aggregate classification (germline): Likely benign. Review status: criteria provided, multiple submitters, no conflicts (2 of 4 stars). 15 submissions from 15 submitters: Likely benign (11). 4 of the submissions do not count toward it. Last evaluated 2026-01-28.

Conditions:
TTN-related disorder. Also called: TTN-related disorders; TTN-related condition; TTN-related disease.
Autosomal recessive limb-girdle muscular dystrophy type 2J (LGMDR10). Also called: Limb-girdle muscular dystrophy, type 2J; MUSCULAR DYSTROPHY, LIMB-GIRDLE, AUTOSOMAL RECESSIVE 10. Identifiers: Orphanet 140922, MedGen C1837342, MONDO:0012127, OMIM 608807.
Dilated cardiomyopathy 1G (CMD1G). Identifiers: Orphanet 154, MedGen C1858763, MONDO:0011400, OMIM 604145.
Cardiovascular phenotype. Identifiers: MedGen CN230736.
Arrhythmogenic right ventricular cardiomyopathy (ARVD). Also called: Arrhythmogenic cardiomyopathy; Arrhythmogenic Right Ventricular Cardiomyopathy (ARVC); Cardiomyopathy, ARVC; Arrhythmogenic right ventricular dysplasia. Identifiers: Orphanet 247, MedGen C0349788, MeSH D019571, MONDO:0016587. Disease mechanism: loss of function. Inheritance: Various modes of inheritance.

Allele frequency attached by ClinVar (database versions not stated): ExAC 0.00034; ESP Exome Variant Server 0.00093; gnomAD 0.00105; TOPMed 0.00111; 1000 Genomes Project 0.00200; 1000 Genomes Project 30x 0.00234.
gnomAD v4.1: 289 of 1,611,872 alleles (0.018%); highest among the groups gnomAD compares: African/African-American, 0.35%; 1 homozygote.

Submissions (15):

Labcorp Genetics (formerly Invitae), Labcorp
Classification: Likely benign for Dilated cardiomyopathy 1G; Autosomal recessive limb-girdle muscular dystrophy type 2J. Last evaluated: 2026-01-28. Review status: criteria provided, single submitter. Criteria: Invitae Variant Classification Sherloc (09022015). Collection method: clinical testing. Allele origin: germline.

Women's Health and Genetics/Laboratory Corporation of America, LabCorp
Classification: Likely benign. Last evaluated: 2025-11-24. Review status: criteria provided, single submitter. Criteria: LabCorp Variant Classification Summary - May 2015. Collection method: clinical testing. Allele origin: germline.
Comment: Variant summary: TTN c.83885C>T (p.Pro27962Leu) results in a non-conservative amino acid change in the encoded protein sequence. Algorithms developed to predict the effect of missense changes on protein structure and function are either unavailable or do not agree on the potential impact of this missense change. The variant allele was found at a frequency of 0.00029 in 247692 control chromosomes, predominantly at a frequency of 0.0047 within the African or African-American subpopulation in the gnomAD database. The observed variant frequency within African or African-American control individuals in the gnomAD database exceeds the estimated maximal expected allele frequency for disease-causing variants in TTN. To our knowledge, no occurrence of c.83885C>T in individuals affected with TTN-related conditions and no experimental evidence demonstrating its impact on protein function have been reported. ClinVar contains an entry for this variant (Variation ID: 196156). Based on the evidence outlined above, the variant was classified as likely benign.

Molecular Diagnostic Laboratory for Inherited Cardiovascular Disease, Montreal Heart Institute
Classification: Likely benign. Last evaluated: 2025-04-09. Review status: criteria provided, single submitter. Criteria: ACMG Guidelines, 2015. Collection method: clinical testing. Allele origin: germline. Affected: no.

Mayo Clinic Laboratories, Mayo Clinic
Classification: Likely benign. Last evaluated: 2024-10-18. Review status: criteria provided, single submitter. Criteria: ACMG Guidelines, 2015. Collection method: clinical testing. Allele origin: germline. Observed: 3 variant alleles.
Comment: BS1, BP1

Blueprint Genetics
Classification: Likely benign. Last evaluated: 2024-09-13. Review status: criteria provided, single submitter. Criteria: ACMG Guidelines, 2015. Collection method: clinical testing. Allele origin: germline.

GeneDx
Classification: Likely benign. Last evaluated: 2021-02-01. Review status: criteria provided, single submitter. Criteria: GeneDx Variant Classification Process June 2021. Collection method: clinical testing. Allele origin: germline. Affected: yes.

Center for Advanced Laboratory Medicine, UC San Diego Health, University of California San Diego
Classification: Likely benign for Arrhythmogenic right ventricular cardiomyopathy. Last evaluated: 2018-01-03. Review status: criteria provided, single submitter. Criteria: ACMG Guidelines, 2015. Collection method: clinical testing. Allele origin: germline. Affected: yes. Observed: 2 variant alleles.

Laboratory for Molecular Medicine, Mass General Brigham Personalized Medicine
Classification: Likely benign. Last evaluated: 2015-11-27. Review status: criteria provided, single submitter. Criteria: LMM Criteria. Collection method: clinical testing. Allele origin: germline. Observed: 1 variant allele.
Comment: p.Pro27962Leu in exon 286 of TTN: This variant is not expected to have clinical significance because it has been identified in 0.43% (41/9640) of African chromo somes by the Exome Aggregation Consortium (ExAC; dbSNP rs200875379).

Eurofins Ntd Llc (ga)
Classification: Likely benign. Last evaluated: 2014-09-18. Review status: criteria provided, single submitter. Criteria: EGL Classification Definitions 2015. Collection method: clinical testing. Allele origin: germline. Observed: 1 variant allele, 1 heterozygote.

Ambry Genetics
Classification: Likely benign for Cardiovascular phenotype. Last evaluated: 2013-07-26. Review status: criteria provided, single submitter. Criteria: Ambry Autosomal Dominant and X-Linked criteria (10/2015). Collection method: clinical testing. Allele origin: germline. Observed: 1 variant allele.

Breakthrough Genomics
Classification: Likely benign. Review status: criteria provided, single submitter. Criteria: ACMG Guidelines, 2015. Collection method: not provided. Allele origin: germline. Inheritance: Autosomal recessive inheritance. Affected: yes.

PreventionGenetics, part of Exact Sciences
Classification: Likely benign for TTN-related condition. Last evaluated: 2019-04-02. Review status: no assertion criteria provided. Collection method: clinical testing. Allele origin: germline. Not counted in ClinVar's aggregate classification.
Comment: This variant is classified as likely benign based on ACMG/AMP sequence variant interpretation guidelines (Richards et al. 2015 PMID: 25741868, with internal and published modifications).

Clinical Genetics DNA and cytogenetics Diagnostics Lab, Erasmus MC, Erasmus Medical Center
Classification: Likely benign. Review status: no assertion criteria provided. Collection method: clinical testing. Allele origin: germline. Affected: yes. Study: VKGL Data-share Consensus. Not counted in ClinVar's aggregate classification.

Clinical Genetics, Academic Medical Center
Classification: Benign. Review status: no assertion criteria provided. Collection method: clinical testing. Allele origin: germline. Affected: yes. Study: VKGL Data-share Consensus. Not counted in ClinVar's aggregate classification.

Laboratory of Diagnostic Genome Analysis, Leiden University Medical Center (LUMC)
Classification: Likely benign. Review status: no assertion criteria provided. Collection method: clinical testing. Allele origin: germline. Affected: yes. Study: VKGL Data-share Consensus. Not counted in ClinVar's aggregate classification.